The following is an entry in ClinVar:

ClinVar aggregate classification (germline): Benign/Likely benign. Review status: criteria provided, multiple submitters, no conflicts (2 of 4 stars). 3 submissions from 3 submitters: Benign (1); Likely benign (1). 1 of the submissions does not count toward it. Last evaluated 2026-01-25.

Conditions:
SLC27A4-related disorder. Also called: SLC27A4-related condition.

Allele frequency attached by ClinVar (database versions not stated): ESP Exome Variant Server 0.00038; ExAC 0.00100; 1000 Genomes Project 0.00140; 1000 Genomes Project 30x 0.00156; gnomAD 0.00029 and 0.00046; TOPMed 0.00032; gnomAD exomes 0.00087.

Submissions (3):

Labcorp Genetics (formerly Invitae), Labcorp
Classification: Benign. Last evaluated: 2026-01-25. Review status: criteria provided, single submitter. Criteria: Invitae Variant Classification Sherloc (09022015). Collection method: clinical testing. Allele origin: germline.

Women's Health and Genetics/Laboratory Corporation of America, LabCorp
Classification: Likely benign. Last evaluated: 2022-05-03. Review status: criteria provided, single submitter. Criteria: LabCorp Variant Classification Summary - May 2015. Collection method: clinical testing. Allele origin: germline.

PreventionGenetics, part of Exact Sciences
Classification: Likely benign for SLC27A4-related condition. Last evaluated: 2019-06-12. Review status: no assertion criteria provided. Collection method: clinical testing. Allele origin: germline. Not counted in ClinVar's aggregate classification.
Comment: This variant is classified as likely benign based on ACMG/AMP sequence variant interpretation guidelines (Richards et al. 2015 PMID: 25741868, with internal and published modifications).

NM_005094.4(SLC27A4):c.314G>A (p.Arg105His)

Gene: SLC27A4 (solute carrier family 27 member 4; plus strand). Cytogenetic location: 9q34.11.
Variant type: single nucleotide variant.
Coding change: c.314G>A on transcript NM_005094.4 (MANE Select); coding-DNA position 314, G replaced by A.
Protein change: p.Arg105His; replaces arginine 105 with histidine.
Molecular consequence: missense variant.
Genome position (GRCh38, 1-based): chr9:128,345,307, G>A. VCF-style: chr9-128345307-G-A. GRCh37 (hg19) VCF-style: chr9-131107586-G-A.
Other names: short protein forms R105H.
Identifiers: ClinVar variation 1696264 (VCV001696264.6), dbSNP rs142664086, ClinGen allele CA5260903.